The following is an entry in ClinVar:

ClinVar aggregate classification (germline): Uncertain significance. Review status: criteria provided, multiple submitters, no conflicts (2 of 4 stars). 3 submissions from 3 submitters: Uncertain significance (3). Last evaluated 2024-07-11.

Conditions:
Nephrotic syndrome, type 2 (NPHS2). Also called: NEPHROTIC SYNDROME, STEROID-RESISTANT, AUTOSOMAL RECESSIVE. Identifiers: Orphanet 656, MedGen C1868672, MONDO:0010974, OMIM 600995.

Submissions (3):

3billion
Classification: Uncertain significance for Nephrotic syndrome, type 2. Last evaluated: 2024-07-11. Review status: criteria provided, single submitter. Criteria: ACMG Guidelines, 2015. Collection method: clinical testing. Allele origin: germline. Affected: yes.
Comment: The variant is not observed in the gnomAD v4.0.0 dataset. Predicted Consequence/Location: Missense variant In silico tool predictions suggest damaging effect of the variant on gene or gene product [REVEL: 0.77 (>=0.6, sensitivity 0.68 and specificity 0.92); 3Cnet: 0.62 (>=0.6, sensitivity 0.72 and precision 0.9)]. The variant has been reported as of uncertain significance (ClinVar ID: VCV001684962). Therefore, this variant is classified as VUS according to the recommendation of ACMG/AMP guideline.

Precision Medicine Center, Zhengzhou University
Classification: Uncertain significance for Nephrotic syndrome, type 2. Last evaluated: 2023-12-01. Review status: criteria provided, single submitter. Criteria: ACMG Guidelines, 2015. Collection method: clinical testing. Allele origin: paternal. Affected: yes.
Comment: PM2_p,PM3,PP3

Mendelics
Classification: Uncertain significance. Last evaluated: 2022-05-04. Review status: criteria provided, single submitter. Criteria: Mendelics Assertion Criteria 2019. Collection method: clinical testing. Allele origin: germline.

NM_014625.4(NPHS2):c.938C>T (p.Ser313Leu)

Genes: AXDND1 (axonemal dynein light chain domain containing 1; plus strand), NPHS2 (NPHS2 stomatin family member, podocin; minus strand). Cytogenetic location: 1q25.2.
Variant type: single nucleotide variant.
Coding change: c.938C>T on transcript NM_014625.4 (MANE Select); coding-DNA position 938, C replaced by T.
Protein change: p.Ser313Leu; replaces serine 313 with leucine.
Molecular consequence: missense variant. On other transcripts: intron variant (1).
Genome position (GRCh38, 1-based): chr1:179,551,387, G>A on the plus strand (C>T on the coding strand, the complement: NPHS2 is on the minus strand). VCF-style: chr1-179551387-G-A. GRCh37 (hg19) VCF-style: chr1-179520522-G-A.
Other names: c.734C>T, p.Ser245Leu (NM_001297575.2); c.3032-3125G>A (NM_144696.6); short protein forms S245L, S313L.
Identifiers: ClinVar variation 1684962 (VCV001684962.4), dbSNP rs2125765231, ClinGen allele CA343565753.